The following is an entry in ClinVar:

NM_001111125.3(IQSEC2):c.2292del (p.Phe764fs)

Gene: IQSEC2 (IQ motif and Sec7 domain ArfGEF 2; minus strand). Cytogenetic location: Xp11.22.
Variant type: Deletion.
Coding change: c.2292del on transcript NM_001111125.3 (MANE Select); coding-DNA position 2292, one base deleted (C; older notation c.2292delC).
Protein change: p.Phe764fs; shifts the reading frame from phenylalanine 764.
Molecular consequence: frameshift variant.
Genome position (GRCh38, 1-based): chrX:53,250,284, G deleted on the plus strand (C on the coding strand, the reverse complement: IQSEC2 is on the minus strand). VCF-style (leftmost placement, unchanged base first): chrX-53250283-TG-T. GRCh37 (hg19) VCF-style: chrX-53279465-TG-T.
Other names: c.1677del, p.Phe559fs (NM_015075.2); short protein forms F559fs, F764fs.
Identifiers: ClinVar variation 1098375 (VCV001098375.2), dbSNP rs2147096232, ClinGen allele CA2499226787.

ClinVar aggregate classification (germline): Pathogenic (1 of 4 stars; one submission).

Submission:

Genetics Laboratory, UDIAT-Centre Diagnòstic, Hospital Universitari Parc Tauli
Classification: Pathogenic. Last evaluated: 2021-04-26. Review status: criteria provided, single submitter. Criteria: Parc Tauli Hospital Assertion Criteria 2021. Collection method: clinical testing. Allele origin: de novo. Inheritance: X-linked inheritance. Affected: yes. Observed: 1 hemizygote.
Comment: PVS1_very strong;PM2_supporting;PM6_moderate